The following is an entry in ClinVar:

NM_004287.5(GOSR2):c.463A>G (p.Arg155Gly)

Genes: GOSR2 (golgi SNAP receptor complex member 2; plus strand), LRRC37A2 (leucine rich repeat containing 37 member A2). Cytogenetic location: 17q21.32.
Variant type: single nucleotide variant.
Coding change: c.463A>G on transcript NM_004287.5 (MANE Select); coding-DNA position 463, A replaced by G.
Protein change: p.Arg155Gly; replaces arginine 155 with glycine.
Molecular consequence: missense variant. On other transcripts: non-coding transcript variant (1), intron variant (4).
Genome position (GRCh38, 1-based): chr17:46,935,155, A>G. VCF-style: chr17-46935155-A-G. GRCh37 (hg19) VCF-style: chr17-45012521-A-G.
Other names: c.463A>G, p.Arg155Gly (NM_001012511.3, NM_001321133.2, NM_054022.4); c.460A>G, p.Arg154Gly (NM_001353114.2); c.409A>G, p.Arg137Gly (NM_001363851.2); c.282+2956A>G (NM_001321134.2); c.336+2956A>G (NM_001330252.2); c.333+2956A>G (NM_001353115.2, NM_001353116.2); short protein forms R137G, R154G, R155G.
Identifiers: ClinVar variation 1312307 (VCV001312307.2), dbSNP rs2088086993, ClinGen allele CA400018385.

ClinVar aggregate classification (germline): Uncertain significance (1 of 4 stars; one submission).

Allele frequency attached by ClinVar (database versions not stated): gnomAD exomes below 0.00001; TOPMed 0.00001.
gnomAD v4.1: 3 of 1,614,144 alleles (0.00019%); highest among the groups gnomAD compares: Non-Finnish European, 0.00025%; no homozygotes.

Submission:

GeneDx
Classification: Uncertain significance. Last evaluated: 2019-09-18. Review status: criteria provided, single submitter. Criteria: GeneDx Variant Classification Process June 2021. Collection method: clinical testing. Allele origin: germline. Affected: yes.
Comment: Not observed in large population cohorts (Lek et al., 2016); In silico analysis, which includes protein predictors and evolutionary conservation, supports a deleterious effect; Has not been previously published as pathogenic or benign to our knowledge